The following is an entry in ClinVar:

NM_000453.3(SLC5A5):c.1632C>G (p.Ala544=)

Gene: SLC5A5 (solute carrier family 5 member 5; plus strand). Cytogenetic location: 19p13.11.
Variant type: single nucleotide variant.
Coding change: c.1632C>G on transcript NM_000453.3 (MANE Select); coding-DNA position 1632, C replaced by G.
Protein change: p.Ala544=; no amino-acid change (alanine 544 retained).
Molecular consequence: synonymous variant.
Genome position (GRCh38, 1-based): chr19:17,888,436, C>G. VCF-style: chr19-17888436-C-G. GRCh37 (hg19) VCF-style: chr19-17999245-C-G.
Identifiers: ClinVar variation 328543 (VCV000328543.39), dbSNP rs45531732, ClinGen allele CA9303242.

ClinVar aggregate classification (germline): Conflicting classifications of pathogenicity. Review status: criteria provided, conflicting classifications (1 of 4 stars). 5 submissions from 5 submitters: Uncertain significance (1); Benign (2); Likely benign (2). Last evaluated 2026-09-01.

Conditions:
Thyroid dyshormonogenesis 1. Also called: Familial thyroid dyshormonogenesis 1; THYROID HORMONOGENESIS, GENETIC DEFECT IN, 1; HYPOTHYROIDISM, CONGENITAL, DUE TO DYSHORMONOGENESIS, 1; IODINE ACCUMULATION, TRANSPORT, OR TRAPPING DEFECT. Identifiers: Orphanet 95716, MedGen C1848805, MONDO:0020716, OMIM 274400.

Allele frequency attached by ClinVar (database versions not stated): 1000 Genomes Project 0.00180; 1000 Genomes Project 30x 0.00219; ExAC 0.00357; TOPMed 0.00366; ESP Exome Variant Server 0.00415; gnomAD 0.00469.
gnomAD v4.1: 8,990 of 1,613,776 alleles (0.56%); highest among the groups gnomAD compares: Non-Finnish European, 0.66%; 32 homozygotes.

Submissions (5):

CeGaT Center for Human Genetics Tuebingen
Classification: Likely benign. Last evaluated: 2026-09-01. Review status: criteria provided, single submitter. Criteria: CeGaT Center For Human Genetics Tuebingen Variant Classification Criteria Version 2. Collection method: clinical testing. Allele origin: germline. Affected: yes. Observed: 6 variant alleles.
Comment: SLC5A5: BP4, BP7, BS2

Labcorp Genetics (formerly Invitae), Labcorp
Classification: Benign. Last evaluated: 2026-01-24. Review status: criteria provided, single submitter. Criteria: Invitae Variant Classification Sherloc (09022015). Collection method: clinical testing. Allele origin: germline.

Blueprint Genetics
Classification: Likely benign. Last evaluated: 2024-11-20. Review status: criteria provided, single submitter. Criteria: ACMG Guidelines, 2015. Collection method: clinical testing. Allele origin: germline.

Women's Health and Genetics/Laboratory Corporation of America, LabCorp
Classification: Benign. Last evaluated: 2024-03-26. Review status: criteria provided, single submitter. Criteria: LabCorp Variant Classification Summary - May 2015. Collection method: clinical testing. Allele origin: germline.

Illumina Laboratory Services, Illumina
Classification: Uncertain significance for Thyroid dyshormonogenesis 1. Last evaluated: 2018-01-13. Review status: criteria provided, single submitter. Criteria: ICSL Variant Classification Criteria 13 December 2019. Collection method: clinical testing. Allele origin: germline.